The following is an entry in ClinVar:

ClinVar aggregate classification (germline): Pathogenic (1 of 4 stars; one submission).

Conditions:
Hereditary factor XI deficiency disease. Also called: PLASMA THROMBOPLASTIN ANTECEDENT DEFICIENCY; PTA DEFICIENCY; ROSENTHAL SYNDROME; Congenital factor XI deficiency. Identifiers: Orphanet 329, MedGen C0015523, MeSH D005173, MONDO:0012897, OMIM 612416.

Submission:

Myriad Genetics, Inc.
Classification: Pathogenic for Hereditary factor XI deficiency disease. Last evaluated: 2024-05-14. Review status: criteria provided, single submitter. Criteria: Myriad Autosomal Dominant, Autosomal Recessive and X-Linked Classification Criteria (2023). Collection method: clinical testing. Allele origin: unknown.
Comment: NM_000128.3(F11):c.1198_1200del3ins16(P400Dfs*2) is expected to be pathogenic in the context of factor XI deficiency. This variant is predicted to lead to an abnormal or absent protein product due to the creation of a premature termination codon in F11, a gene where loss-of-function variants are known to be pathogenic. Please note: this variant was assessed in the context of healthy population screening.

NM_000128.4(F11):c.1198_1200delinsGACTGACTTTCTGCTT (p.Pro400delinsAspTer)

Gene: F11 (coagulation factor XI; plus strand). Cytogenetic location: 4q35.2.
Variant type: Indel.
Coding change: c.1198_1200delinsGACTGACTTTCTGCTT on transcript NM_000128.4 (MANE Select); coding-DNA positions 1198 to 1200, CCG replaced by GACTGACTTTCTGCTT.
Protein change: p.Pro400delinsAspTer.
Molecular consequence: nonsense.
Genome position (GRCh38, 1-based): chr4:186,284,154-186,284,156, CCG replaced by GACTGACTTTCTGCTT. VCF-style: chr4-186284154-CCG-GACTGACTTTCTGCTT. GRCh37 (hg19) VCF-style: chr4-187205308-CCG-GACTGACTTTCTGCTT.
Other names: c.1150_1152delinsGACTGACTTTCTGCTT, p.Pro384delinsAspTer (NM_001440590.1, NM_001440596.1); c.1198_1200delinsGACTGACTTTCTGCTT, p.Pro400delinsAspTer (NM_001440593.1); c.928_930delinsGACTGACTTTCTGCTT, p.Pro310delinsAspTer (NM_001440605.1, NM_001440607.1); c.880_882delinsGACTGACTTTCTGCTT, p.Pro294delinsAspTer (NM_001440606.1, NM_001440608.1).
Identifiers: ClinVar variation 5010861 (VCV005010861.1).